The following is an entry in ClinVar:

NM_001378778.1(MPDZ):c.3096C>G (p.Ile1032Met)

Gene: MPDZ (multiple PDZ domain crumbs cell polarity complex component; minus strand). Cytogenetic location: 9p23.
Variant type: single nucleotide variant.
Coding change: c.3096C>G on transcript NM_001378778.1 (MANE Select); coding-DNA position 3096, C replaced by G.
Protein change: p.Ile1032Met; replaces isoleucine 1032 with methionine.
Molecular consequence: missense variant.
Genome position (GRCh38, 1-based): chr9:13,168,524, G>C on the plus strand (C>G on the coding strand, the complement: MPDZ is on the minus strand). VCF-style: chr9-13168524-G-C. GRCh37 (hg19) VCF-style: chr9-13168523-G-C.
Other names: c.3096C>G, p.Ile1032Met (NM_001261406.2, NM_001261407.2, NM_001330637.2 and 14 more transcripts); short protein forms I1032M.
Identifiers: ClinVar variation 1498401 (VCV001498401.4), dbSNP rs758409546, ClinGen allele CA189264494.
Genomic context (GRCh38, chr9:13,168,524, plus strand): 5'-GTCCCCAATGGCAATCCGGCCATCTCGACTAATGGCACCTCCATGAATAATGCTTCGAAC[G>C]ATCATCCCCAAGCCATCTTTATTAGCACTAACTGTCATTCCTACAGGAAAAGAGAAATGC-3'
Protein context (NP_001365707.1, residues 1022-1042): VSANKDGLGM[Ile1032Met]VRSIIHGGAI

ClinVar aggregate classification (germline): Uncertain significance (1 of 4 stars; one submission).

gnomAD v4.1: 5 of 1,612,404 alleles (0.00031%); highest among the groups gnomAD compares: African/African-American, 0.0053%; no homozygotes.

Submission:

Labcorp Genetics (formerly Invitae), Labcorp
Classification: Uncertain significance. Last evaluated: 2025-05-12. Review status: criteria provided, single submitter. Criteria: Invitae Variant Classification Sherloc (09022015). Collection method: clinical testing. Allele origin: germline.
Comment: This sequence change replaces isoleucine, which is neutral and non-polar, with methionine, which is neutral and non-polar, at codon 1032 of the MPDZ protein (p.Ile1032Met). This variant is not present in population databases (gnomAD no frequency). This variant has not been reported in the literature in individuals affected with MPDZ-related conditions. ClinVar contains an entry for this variant (Variation ID: 1498401). An algorithm developed to predict the effect of missense changes on protein structure and function (PolyPhen-2) suggests that this variant is likely to be disruptive. In summary, the available evidence is currently insufficient to determine the role of this variant in disease. Therefore, it has been classified as a Variant of Uncertain Significance.